The following is an entry in ClinVar:

ClinVar aggregate classification (germline): Benign. Review status: criteria provided, multiple submitters, no conflicts (2 of 4 stars). 3 submissions from 3 submitters: Benign (3). Last evaluated 2026-02-04.

Allele frequency attached by ClinVar (database versions not stated): TOPMed 0.78567; 1000 Genomes Project 30x 0.81215; ESP Exome Variant Server 0.77572; gnomAD 0.79114; 1000 Genomes Project 0.81869.
gnomAD v4.1: 1,301,133 of 1,613,982 alleles (81%); highest among the groups gnomAD compares: East Asian, 95%; 525,695 homozygotes.

Submissions (3):

Labcorp Genetics (formerly Invitae), Labcorp
Classification: Benign. Last evaluated: 2026-02-04. Review status: criteria provided, single submitter. Criteria: Invitae Variant Classification Sherloc (09022015). Collection method: clinical testing. Allele origin: germline.

Women's Health and Genetics/Laboratory Corporation of America, LabCorp
Classification: Benign. Last evaluated: 2026-01-21. Review status: criteria provided, single submitter. Criteria: LabCorp Variant Classification Summary - May 2015. Collection method: clinical testing. Allele origin: germline.

Unidad de Genómica Garrahan, Hospital de Pediatría Garrahan
Classification: Benign. Last evaluated: 2024-01-24. Review status: criteria provided, single submitter. Criteria: ACMG Guidelines, 2015. Collection method: clinical testing. Allele origin: germline. Affected: no. Observed: 94 variant alleles.
Comment: This variant is classified as Benign based on local population frequency. This variant was detected in 99% of patients studied by a panel of primary immunodeficiencies. Number of patients: 94. Only high quality variants are reported.

NM_005337.5(NCKAP1L):c.867C>G (p.Leu289=)

Gene: NCKAP1L (NCK associated protein 1 like; plus strand). Cytogenetic location: 12q13.2.
Variant type: single nucleotide variant.
Coding change: c.867C>G on transcript NM_005337.5 (MANE Select); coding-DNA position 867, C replaced by G.
Protein change: p.Leu289=; no amino-acid change (leucine 289 retained).
Molecular consequence: synonymous variant.
Genome position (GRCh38, 1-based): chr12:54,512,031, C>G. VCF-style: chr12-54512031-C-G. GRCh37 (hg19) VCF-style: chr12-54905815-C-G.
Other names: c.717C>G, p.Leu239= (NM_001184976.2).
Identifiers: ClinVar variation 2121884 (VCV002121884.7), dbSNP rs2458409, ClinGen allele CA6608948.